The following is an entry in ClinVar:

NM_030631.4(SLC25A21):c.221del (p.Lys74fs)

Gene: SLC25A21 (solute carrier family 25 member 21; minus strand). Cytogenetic location: 14q13.3.
Variant type: Deletion.
Coding change: c.221del on transcript NM_030631.4 (MANE Select); coding-DNA position 221, one base deleted (A; older notation c.221delA).
Protein change: p.Lys74fs; shifts the reading frame from lysine 74.
Molecular consequence: frameshift variant.
Genome position (GRCh38, 1-based): chr14:36,734,556, T deleted on the plus strand (A on the coding strand, the reverse complement: SLC25A21 is on the minus strand); the first of 2 consecutive T bases (chr14:36,734,556-36,734,557); deleting either gives the same sequence. VCF-style (leftmost placement, unchanged base first): chr14-36734555-CT-C. GRCh37 (hg19) VCF-style: chr14-37203760-CT-C.
Other names: c.221delA (NM_030631.4); c.221del, p.Lys74fs (NM_001171170.2); short protein forms K74fs.
Identifiers: ClinVar variation 4537094 (VCV004537094.1).

ClinVar aggregate classification (germline): Uncertain significance (1 of 4 stars; one submission).

Submission:

Women's Health and Genetics/Laboratory Corporation of America, LabCorp
Classification: Uncertain significance. Last evaluated: 2025-11-04. Review status: criteria provided, single submitter. Criteria: LabCorp Variant Classification Summary - May 2015. Collection method: clinical testing. Allele origin: germline.
Comment: Variant summary: SLC25A21 c.221delA (p.Lys74ArgfsX16) results in a premature termination codon, predicted to cause a truncation of the encoded protein or absence of the protein due to nonsense mediated decay, however current evidence is not sufficient to establish loss of function as a mechanism for disease. The variant allele was found at a frequency of 8.4e-06 in 238286 control chromosomes (gnomAD). The available data on variant occurrences in the general population are insufficient to allow any conclusion about variant significance. To our knowledge, no occurrence of c.221delA in individuals affected with SLC25A21-related conditions and no experimental evidence demonstrating its impact on protein function have been reported. No submitters have cited clinical-significance assessments for this variant to ClinVar. Based on the evidence outlined above, the variant was classified as uncertain significance.